The following is an entry in ClinVar:

ClinVar aggregate classification (germline): Uncertain significance (1 of 4 stars; one submission).

Allele frequency attached by ClinVar (database versions not stated): gnomAD exomes 0.00001.
gnomAD v4.1: 8 of 1,614,022 alleles (0.0005%); highest among the groups gnomAD compares: Non-Finnish European, 0.00068%; no homozygotes.

Submission:

Labcorp Genetics (formerly Invitae), Labcorp
Classification: Uncertain significance. Last evaluated: 2022-02-03. Review status: criteria provided, single submitter. Criteria: Invitae Variant Classification Sherloc (09022015). Collection method: clinical testing. Allele origin: germline.
Comment: This sequence change replaces valine, which is neutral and non-polar, with methionine, which is neutral and non-polar, at codon 452 of the CEP250 protein (p.Val452Met). In summary, the available evidence is currently insufficient to determine the role of this variant in disease. Therefore, it has been classified as a Variant of Uncertain Significance. Algorithms developed to predict the effect of missense changes on protein structure and function are either unavailable or do not agree on the potential impact of this missense change (SIFT: "Not Available"; PolyPhen-2: "Benign"; Align-GVGD: "Not Available"). ClinVar contains an entry for this variant (Variation ID: 955058). This variant has not been reported in the literature in individuals affected with CEP250-related conditions. This variant is not present in population databases (gnomAD no frequency).

NM_007186.6(CEP250):c.1354G>A (p.Val452Met)

Genes: CEP250 (centrosomal protein 250; plus strand), CEP250-AS1 (CEP250 antisense RNA 1; minus strand). Cytogenetic location: 20q11.22.
Variant type: single nucleotide variant.
Coding change: c.1354G>A on transcript NM_007186.6 (MANE Select); coding-DNA position 1354, G replaced by A.
Protein change: p.Val452Met; replaces valine 452 with methionine.
Molecular consequence: missense variant. On other transcripts: 5 prime UTR variant (1).
Genome position (GRCh38, 1-based): chr20:35,473,518, G>A. VCF-style: chr20-35473518-G-A. GRCh37 (hg19) VCF-style: chr20-34061343-G-A.
Other names: c.-546G>A (NM_001318219.1); short protein forms V452M.
Identifiers: ClinVar variation 955058 (VCV000955058.10), dbSNP rs2063080140, ClinGen allele CA408761738.